The following is an entry in ClinVar:

ClinVar aggregate classification (germline): Pathogenic/Likely pathogenic. Review status: criteria provided, multiple submitters, no conflicts (2 of 4 stars). 5 submissions from 4 submitters: Pathogenic (2); Likely pathogenic (1). 2 of the submissions do not count toward it. Last evaluated 2025-08-30.

Conditions:
Mosaic variegated aneuploidy syndrome 1 (MVA1). Also called: Warburton-Anyane-Yeboa syndrome. Identifiers: Orphanet 1052, MedGen C1850343, MONDO:0009759, OMIM 257300.
Premature chromatid separation trait (PCS). Also called: TOTAL PREMATURE CHROMATID SEPARATION TRAIT. Identifiers: MedGen C1864389, MONDO:0008304, OMIM 176430.

Allele frequency attached by ClinVar (database versions not stated): gnomAD 0.00001; gnomAD exomes 0.00001; TOPMed below 0.00001.
gnomAD v4.1: 10 of 1,613,620 alleles (0.00062%); highest among the groups gnomAD compares: Middle Eastern, 0.016%; no homozygotes.

Submissions (5):

Labcorp Genetics (formerly Invitae), Labcorp
Classification: Pathogenic for Mosaic variegated aneuploidy syndrome 1. Last evaluated: 2025-08-30. Review status: criteria provided, single submitter. Criteria: Invitae Variant Classification Sherloc (09022015). Collection method: clinical testing. Allele origin: germline.
Comment: This sequence change creates a premature translational stop signal (p.Arg194*) in the BUB1B gene. It is expected to result in an absent or disrupted protein product. Loss-of-function variants in BUB1B are known to be pathogenic (PMID: 15475955, 21190457). The frequency data for this variant in the population databases is considered unreliable, as metrics indicate poor data quality at this position in the gnomAD database. This premature translational stop signal has been observed in individual(s) with mosaic variegated aneuploidy (PMID: 15475955). ClinVar contains an entry for this variant (Variation ID: 6760). For these reasons, this variant has been classified as Pathogenic.

St. Jude Molecular Pathology, St. Jude Children's Research Hospital
Classification: Likely pathogenic for Mosaic variegated aneuploidy syndrome 1. Last evaluated: 2023-01-17. Review status: criteria provided, single submitter. Criteria: St. Jude Assertion Criteria 2020. Collection method: clinical testing. Allele origin: germline.
Comment: The BUB1B c.580C>T (p.Arg194Ter) change is a nonsense variant that is predicted to cause premature protein truncation and loss of normal protein function. This variant has a maximum frequency of 0.0023% in gnomAD v2.1.1. Trio-testing confirmed p.Arg194Ter in the father and p.Leu844Phe in the mother, both parents presented with premature chromatid separation traits. The index patient had intrauterine growth retardation, microcephaly, cryptorchidism, and embryonal rhabdomyosarcoma of the soft palate (PMID: 15475955). In summary, this variant meets criteria to be classified as likely pathogenic.

Courtagen Diagnostics Laboratory, Courtagen Life Sciences
Classification: Pathogenic for Mosaic variegated aneuploidy syndrome 1. Last evaluated: 2015-03-03. Review status: criteria provided, single submitter. Criteria: Courtagen Life Sciences Classifications. Collection method: clinical testing. Allele origin: maternal.

OMIM
Classification: Pathogenic for MOSAIC VARIEGATED ANEUPLOIDY SYNDROME 1. Last evaluated: 2004-11-01. Review status: no assertion criteria provided. Collection method: literature only. Allele origin: germline. Not counted in ClinVar's aggregate classification.

OMIM
Classification: Affects for PREMATURE CHROMATID SEPARATION TRAIT. Last evaluated: 2004-11-01. Review status: no assertion criteria provided. Collection method: literature only. Allele origin: germline. Not counted in ClinVar's aggregate classification.

Literature cited by the submitters: PubMed 15475955 (cited by Labcorp Genetics (formerly Invitae), Labcorp and OMIM); PubMed 21190457 (cited by Labcorp Genetics (formerly Invitae), Labcorp); PubMed 9916837 (cited by OMIM).

NM_001211.6(BUB1B):c.580C>T (p.Arg194Ter)

Gene: BUB1B (BUB1 mitotic checkpoint serine/threonine kinase B; plus strand). Cytogenetic location: 15q15.1.
Variant type: single nucleotide variant.
Coding change: c.580C>T on transcript NM_001211.6 (MANE Select); coding-DNA position 580, C replaced by T.
Protein change: p.Arg194Ter; replaces arginine 194 with a stop codon.
Molecular consequence: nonsense.
Genome position (GRCh38, 1-based): chr15:40,176,672, C>T. VCF-style: chr15-40176672-C-T. GRCh37 (hg19) VCF-style: chr15-40468873-C-T.
Other names: short protein forms R194*.
Identifiers: ClinVar variation 6760 (VCV000006760.8), dbSNP rs28989186, ClinGen allele CA118485.
Genomic context (GRCh38, chr15:40,176,672, plus strand): 5'-ATATTTCAGGAAGGGATTCAACAGAAGGCTGAACCACTAGAAAGACTACAGTCCCAGCAC[C>T]GGTAAACTTTCTTTGGAGCTTGTCTTAACTCTAAAAATAATAGAAATAAATTATCTCTTT-3'